The following is an entry in ClinVar:

ClinVar aggregate classification (germline): Conflicting classifications of pathogenicity. Review status: criteria provided, conflicting classifications (1 of 4 stars). 4 submissions from 4 submitters: Uncertain significance (1); Likely benign (3). Last evaluated 2026-07-14.

Conditions:
BSCL2-related disorder. Also called: BSCL2-Related Disorders; BSCL2-related condition.
Charcot-Marie-Tooth disease type 2. Also called: Charcot-Marie-Tooth type 2. Identifiers: Orphanet 64746, MedGen C0270914, MONDO:0018993.

Allele frequency attached by ClinVar (database versions not stated): gnomAD exomes below 0.00001; TOPMed 0.00001.
gnomAD v4.1: 3 of 1,614,194 alleles (0.00019%); highest among the groups gnomAD compares: Non-Finnish European, 0.00017%; no homozygotes.

Submissions (4):

PreventionGenetics, part of Exact Sciences
Classification: Likely benign for BSCL2-related condition. Last evaluated: 2026-07-14. Review status: criteria provided, single submitter. Criteria: ACMG Guidelines, 2015. Collection method: clinical testing. Allele origin: germline.
Comment: This variant is classified as likely benign based on ACMG/AMP sequence variant interpretation guidelines (Richards et al. 2015 PMID: 25741868, with internal and published modifications).

Labcorp Genetics (formerly Invitae), Labcorp
Classification: Likely benign for Charcot-Marie-Tooth disease type 2. Last evaluated: 2022-05-01. Review status: criteria provided, single submitter. Criteria: Invitae Variant Classification Sherloc (09022015). Collection method: clinical testing. Allele origin: germline.

Athena Diagnostics
Classification: Uncertain significance. Last evaluated: 2020-09-11. Review status: criteria provided, single submitter. Criteria: Athena Diagnostics criteria. Collection method: clinical testing. Allele origin: unknown.

GeneDx
Classification: Likely benign. Last evaluated: 2015-11-12. Review status: criteria provided, single submitter. Criteria: GeneDx Variant Classification (06012015). Collection method: clinical testing. Allele origin: germline. Affected: yes.
Comment: This variant is considered likely benign or benign based on one or more of the following criteria: it is a conservative change, it occurs at a poorly conserved position in the protein, it is predicted to be benign by multiple in silico algorithms, and/or has population frequency not consistent with disease.

NM_001122955.4(BSCL2):c.1006-8C>T

Genes: HNRNPUL2-BSCL2 (HNRNPUL2-BSCL2 readthrough (NMD candidate); minus strand), BSCL2 (BSCL2 lipid droplet biogenesis associated, seipin; minus strand). Cytogenetic location: 11q12.3.
Variant type: single nucleotide variant.
Coding change: c.1006-8C>T on transcript NM_001122955.4 (MANE Select); 8 bases into the intron before coding-DNA position 1006, C replaced by T.
Molecular consequence: intron variant.
Genome position (GRCh38, 1-based): chr11:62,691,149, G>A on the plus strand (C>T on the coding strand, the complement: BSCL2 is on the minus strand). VCF-style: chr11-62691149-G-A. GRCh37 (hg19) VCF-style: chr11-62458621-G-A.
Other names: c.672-8C>T (NM_001130702.2); c.814-8C>T (NM_032667.6); c.1006-8C>T (NM_001386028.1, NM_001386027.1).
Identifiers: ClinVar variation 381311 (VCV000381311.7), dbSNP rs1057521013, ClinGen allele CA16606348.